The following is an entry in ClinVar:

NM_005458.8(GABBR2):c.80TGC[1] (p.Leu28_Leu29del)

Gene: GABBR2 (gamma-aminobutyric acid type B receptor subunit 2; minus strand). Cytogenetic location: 9q22.33.
Variant type: Microsatellite.
Coding change: c.80TGC[1] on transcript NM_005458.8 (MANE Select); one copy of the 3-base unit TGC starting at c.80; the reference has three copies in a row; two copies, 6 bases deleted.
Protein change: p.Leu28_Leu29del.
Molecular consequence: inframe deletion.
Genome position (GRCh38, 1-based): chr9:98,708,650-98,708,655, GCAGCA deleted on the plus strand (TGCTGC on the coding strand, the reverse complement: GABBR2 is on the minus strand); deleting any 6 consecutive bases within chr9:98,708,650-98,708,659 gives the same sequence; the position shown is the placement nearest the transcript's 3' end. VCF-style (leftmost placement, unchanged base first): chr9-98708649-GGCAGCA-G. GRCh37 (hg19) VCF-style: chr9-101470931-GGCAGCA-G.
Identifiers: ClinVar variation 4718337 (VCV004718337.1).

ClinVar aggregate classification (germline): Uncertain significance (1 of 4 stars; one submission).

Conditions:
Epileptic encephalopathy. Identifiers: MedGen C0543888, HP:0200134.

Submission:

Labcorp Genetics (formerly Invitae), Labcorp
Classification: Uncertain significance for Epileptic encephalopathy. Last evaluated: 2025-04-26. Review status: criteria provided, single submitter. Criteria: Invitae Variant Classification Sherloc (09022015). Collection method: clinical testing. Allele origin: germline.
Comment: This variant, c.83_88del, results in the deletion of 2 amino acid(s) of the GABBR2 protein (p.Leu28_Leu29del), but otherwise preserves the integrity of the reading frame. The frequency data for this variant in the population databases is considered unreliable, as metrics indicate insufficient coverage at this position in the gnomAD database. This variant has not been reported in the literature in individuals affected with GABBR2-related conditions. Experimental studies and prediction algorithms are not available or were not evaluated, and the functional significance of this variant is currently unknown. In summary, the available evidence is currently insufficient to determine the role of this variant in disease. Therefore, it has been classified as a Variant of Uncertain Significance.